The following is an entry in ClinVar:

NM_004069.6(AP2S1):c.209G>A (p.Cys70Tyr)

Gene: AP2S1 (adaptor related protein complex 2 subunit sigma 1; minus strand). Cytogenetic location: 19q13.32.
Variant type: single nucleotide variant.
Coding change: c.209G>A on transcript NM_004069.6 (MANE Select); coding-DNA position 209, G replaced by A.
Protein change: p.Cys70Tyr; replaces cysteine 70 with tyrosine.
Molecular consequence: missense variant. On other transcripts: intron variant (1).
Genome position (GRCh38, 1-based): chr19:46,839,523, C>T on the plus strand (G>A on the coding strand, the complement: AP2S1 is on the minus strand). VCF-style: chr19-46839523-C-T. GRCh37 (hg19) VCF-style: chr19-47342780-C-T.
Other names: c.257G>A, p.Cys86Tyr (NM_001301076.3); c.251G>A, p.Cys84Tyr (NM_001301078.3); c.215G>A, p.Cys72Tyr (NM_001301081.3); c.154-724G>A (NM_021575.5); short protein forms C70Y, C84Y, C86Y, C72Y.
Identifiers: ClinVar variation 2836555 (VCV002836555.3), dbSNP rs2514059339, ClinGen allele CA406509066.

ClinVar aggregate classification (germline): Uncertain significance (1 of 4 stars; one submission).

Submission:

Labcorp Genetics (formerly Invitae), Labcorp
Classification: Uncertain significance. Last evaluated: 2023-02-13. Review status: criteria provided, single submitter. Criteria: Invitae Variant Classification Sherloc (09022015). Collection method: clinical testing. Allele origin: germline.
Comment: This variant is not present in population databases (gnomAD no frequency). This variant has not been reported in the literature in individuals affected with AP2S1-related conditions. Algorithms developed to predict the effect of missense changes on protein structure and function are either unavailable or do not agree on the potential impact of this missense change (SIFT: "Tolerated"; PolyPhen-2: "Probably Damaging"; Align-GVGD: "Class C0"). In summary, the available evidence is currently insufficient to determine the role of this variant in disease. Therefore, it has been classified as a Variant of Uncertain Significance. This sequence change replaces cysteine, which is neutral and slightly polar, with tyrosine, which is neutral and polar, at codon 70 of the AP2S1 protein (p.Cys70Tyr).